The following is an entry in ClinVar:

NM_177965.4(CFAP418):c.6G>A (p.Ala2=)

Genes: CFAP418 (cilia and flagella associated protein 418; minus strand), CFAP418-AS1 (CFAP418 antisense RNA 1; plus strand), LOC130000784 (ATAC-STARR-seq lymphoblastoid active region 27655; plus strand). Cytogenetic location: 8q22.1.
Variant type: single nucleotide variant.
Coding change: c.6G>A on transcript NM_177965.4 (MANE Select); coding-DNA position 6, G replaced by A.
Protein change: p.Ala2=; no amino-acid change (alanine 2 retained).
Molecular consequence: synonymous variant.
Genome position (GRCh38, 1-based): chr8:95,269,184, C>T on the plus strand (G>A on the coding strand, the complement: CFAP418 is on the minus strand). VCF-style: chr8-95269184-C-T. GRCh37 (hg19) VCF-style: chr8-96281412-C-T.
Other names: c.6G>A, p.Ala2= (NM_001363260.1).
Identifiers: ClinVar variation 3356508 (VCV003356508.1).

ClinVar aggregate classification (germline): Likely benign (0 of 4 stars; one submission).

Conditions:
CFAP418-related disorder. Also called: CFAP418-related condition.

gnomAD v4.1: 3 of 1,614,108 alleles (0.00019%); highest among the groups gnomAD compares: South Asian, 0.0011%; no homozygotes.

Submission:

PreventionGenetics, part of Exact Sciences
Classification: Likely benign for CFAP418-related condition. Last evaluated: 2023-07-18. Review status: no assertion criteria provided. Collection method: clinical testing. Allele origin: germline.
Comment: This variant is classified as likely benign based on ACMG/AMP sequence variant interpretation guidelines (Richards et al. 2015 PMID: 25741868, with internal and published modifications).